The following is an entry in ClinVar:

NM_013382.7(POMT2):c.1184-47A>C

Gene: POMT2 (protein O-mannosyltransferase 2; minus strand). Cytogenetic location: 14q24.3.
Variant type: single nucleotide variant.
Coding change: c.1184-47A>C on transcript NM_013382.7 (MANE Select); 47 bases into the intron before coding-DNA position 1184, A replaced by C.
Molecular consequence: intron variant.
Genome position (GRCh38, 1-based): chr14:77,288,878, T>G on the plus strand (A>C on the coding strand, the complement: POMT2 is on the minus strand). VCF-style: chr14-77288878-T-G. GRCh37 (hg19) VCF-style: chr14-77755221-T-G.
Identifiers: ClinVar variation 260290 (VCV000260290.5), dbSNP rs2287387, ClinGen allele CA7285937.

ClinVar aggregate classification (germline): Benign. Review status: criteria provided, multiple submitters, no conflicts (2 of 4 stars). 6 submissions from 4 submitters: Benign (6). Last evaluated 2021-10-25.

Conditions:
Muscular dystrophy-dystroglycanopathy (congenital with brain and eye anomalies), type A2. Also called: MUSCULAR DYSTROPHY-DYSTROGLYCANOPATHY (CONGENITAL WITH BRAIN AND EYE ANOMALIES), TYPE A, 2; WALKER-WARBURG SYNDROME OR MUSCLE-EYE-BRAIN DISEASE, POMT2-RELATED. Identifiers: Orphanet 588, Orphanet 899, MedGen C3150411, MONDO:0013154, OMIM 613150.
Muscular dystrophy-dystroglycanopathy (congenital with impaired intellectual development), type B, 2. Also called: Muscular dystrophy-dystroglycanopathy (congenital with intellectual disability), type B2; MUSCULAR DYSTROPHY, CONGENITAL, POMT2-RELATED. Identifiers: MedGen C3150416, MONDO:0013160, OMIM 613156.
Autosomal recessive limb-girdle muscular dystrophy type 2N. Also called: Muscular dystrophy-dystroglycanopathy (limb-girdle), type C, 2; MUSCULAR DYSTROPHY-DYSTROGLYCANOPATHY, LIMB-GIRDLE, POMT2-RELATED. Identifiers: Orphanet 206559, MedGen C3150418, MONDO:0013162, OMIM 613158.

Allele frequency attached by ClinVar (database versions not stated): 1000 Genomes Project 30x 0.47517; 1000 Genomes Project 0.47644; TOPMed 0.49419; gnomAD 0.51460 and 0.51704; ESP Exome Variant Server 0.52161.
gnomAD v4.1: 808,337 of 1,526,204 alleles (53%); highest among the groups gnomAD compares: Non-Finnish European, 55%; 217,298 homozygotes.

Submissions (6):

Genome-Nilou Lab
Classification: Benign for Muscular dystrophy-dystroglycanopathy (congenital with brain and eye anomalies), type A2. Last evaluated: 2021-10-25. Review status: criteria provided, single submitter. Criteria: ACMG Guidelines, 2015. Collection method: clinical testing. Allele origin: germline. Affected: no.

Genome-Nilou Lab
Classification: Benign for Muscular dystrophy-dystroglycanopathy (congenital with impaired intellectual development), type B, 2. Last evaluated: 2021-10-25. Review status: criteria provided, single submitter. Criteria: ACMG Guidelines, 2015. Collection method: clinical testing. Allele origin: germline. Affected: no.

Genome-Nilou Lab
Classification: Benign for Autosomal recessive limb-girdle muscular dystrophy type 2N. Last evaluated: 2021-10-25. Review status: criteria provided, single submitter. Criteria: ACMG Guidelines, 2015. Collection method: clinical testing. Allele origin: germline. Affected: no.

GeneDx
Classification: Benign. Last evaluated: 2018-06-14. Review status: criteria provided, single submitter. Criteria: GeneDx Variant Classification (06012015). Collection method: clinical testing. Allele origin: germline. Affected: yes.
Comment: This variant is considered likely benign or benign based on one or more of the following criteria: it is a conservative change, it occurs at a poorly conserved position in the protein, it is predicted to be benign by multiple in silico algorithms, and/or has population frequency not consistent with disease.

Breakthrough Genomics
Classification: Benign. Review status: criteria provided, single submitter. Criteria: ACMG Guidelines, 2015. Collection method: not provided. Allele origin: germline. Inheritance: Autosomal recessive inheritance. Affected: yes.

PreventionGenetics, part of Exact Sciences
Classification: Benign. Review status: criteria provided, single submitter. Criteria: ACMG Guidelines, 2015. Collection method: clinical testing. Allele origin: germline.